The following is an entry in ClinVar:

NM_020632.3(ATP6V0A4):c.292-187GT[15]

Gene: ATP6V0A4 (ATPase H+ transporting V0 subunit a4; minus strand). Cytogenetic location: 7q34.
Variant type: Microsatellite.
Coding change: c.292-187GT[15] on transcript NM_020632.3 (MANE Select); 15 copies in a row of the 2-base unit GT starting at c.292-187; the reference has 13 copies in a row; two copies, 4 bases duplicated.
Molecular consequence: intron variant.
Genome position (GRCh38, 1-based): chr7:138,763,187-138,763,190, ACAC duplicated on the plus strand (GTGT on the coding strand, the reverse complement: ATP6V0A4 is on the minus strand); duplicating any 4 consecutive bases within chr7:138,763,187-138,763,212 gives the same sequence; the position shown is the placement nearest the transcript's 3' end. VCF-style (leftmost placement, unchanged base first): chr7-138763186-G-GACAC. GRCh37 (hg19) VCF-style: chr7-138447931-G-GACAC.
Other names: c.292-187GT[15] (NM_130840.3, NM_130841.3).
Identifiers: ClinVar variation 1696918 (VCV001696918.2), dbSNP rs3832464, ClinGen allele CA578206305.

ClinVar aggregate classification (germline): Likely benign (1 of 4 stars; one submission).

Submission:

GeneDx
Classification: Likely benign. Last evaluated: 2021-04-02. Review status: criteria provided, single submitter. Criteria: GeneDx Variant Classification Process June 2021. Collection method: clinical testing. Allele origin: germline. Affected: yes.
Comment: See Variant Classification Assertion Criteria.